The following is an entry in ClinVar:

NM_001351132.2(PEX5):c.148-18T>C

Gene: PEX5 (peroxisomal biogenesis factor 5; plus strand). Cytogenetic location: 12p13.31.
Variant type: single nucleotide variant.
Coding change: c.148-18T>C on transcript NM_001351132.2 (MANE Select); 18 bases into the intron before coding-DNA position 148, T replaced by C.
Molecular consequence: intron variant.
Genome position (GRCh38, 1-based): chr12:7,190,870, T>C. VCF-style: chr12-7190870-T-C. GRCh37 (hg19) VCF-style: chr12-7343466-T-C.
Other names: c.148-18T>C (NM_001351124.3, NM_001131026.2, NM_001351131.2 and 19 more transcripts); c.193-18T>C (NM_001351135.3, NM_001131023.2, NM_001351138.2).
Identifiers: ClinVar variation 1994543 (VCV001994543.4), dbSNP rs1208254383, ClinGen allele CA2580086324.

ClinVar aggregate classification (germline): Uncertain significance (1 of 4 stars; one submission).

Conditions:
Peroxisome biogenesis disorder 2B (PBD2B). Identifiers: Orphanet 44, MedGen C3550234, MONDO:0008736, OMIM 202370.

Submission:

Labcorp Genetics (formerly Invitae), Labcorp
Classification: Uncertain significance for Peroxisome biogenesis disorder 2B. Last evaluated: 2022-05-22. Review status: criteria provided, single submitter. Criteria: Invitae Variant Classification Sherloc (09022015). Collection method: clinical testing. Allele origin: germline.
Comment: In summary, the available evidence is currently insufficient to determine the role of this variant in disease. Therefore, it has been classified as a Variant of Uncertain Significance. Algorithms developed to predict the effect of sequence changes on RNA splicing suggest that this variant may create or strengthen a splice site. This variant has not been reported in the literature in individuals affected with PEX5-related conditions. This variant is not present in population databases (gnomAD no frequency). This sequence change falls in intron 2 of the PEX5 gene. It does not directly change the encoded amino acid sequence of the PEX5 protein.